The following is an entry in ClinVar:

NM_000095.3(COMP):c.1384G>T (p.Asp462Tyr)

Gene: COMP (cartilage oligomeric matrix protein; minus strand). Cytogenetic location: 19p13.11.
Variant type: single nucleotide variant.
Coding change: c.1384G>T on transcript NM_000095.3 (MANE Select); coding-DNA position 1384, G replaced by T.
Protein change: p.Asp462Tyr; replaces aspartic acid 462 with tyrosine.
Molecular consequence: missense variant.
Genome position (GRCh38, 1-based): chr19:18,786,070, C>A on the plus strand (G>T on the coding strand, the complement: COMP is on the minus strand). VCF-style: chr19-18786070-C-A. GRCh37 (hg19) VCF-style: chr19-18896880-C-A.
Other names: short protein forms D462Y.
Identifiers: ClinVar variation 2632794 (VCV002632794.1), dbSNP rs375476152, ClinGen allele CA404884787.

ClinVar aggregate classification (germline): Uncertain significance (1 of 4 stars; one submission).

Conditions:
COMP-related disorder. Also called: COMP-related disorders; COMP-related condition.

Submission:

PreventionGenetics, part of Exact Sciences
Classification: Uncertain significance for COMP-related condition. Last evaluated: 2023-04-21. Review status: criteria provided, single submitter. Criteria: ACMG Guidelines, 2015. Collection method: clinical testing. Allele origin: germline.
Comment: The COMP c.1384G>T variant is predicted to result in the amino acid substitution p.Asp462Tyr. To our knowledge, this variant has not been reported in the literature or in a large population database, indicating this variant is rare. At this time, the clinical significance of this variant is uncertain due to the absence of conclusive functional and genetic evidence.